The following continues an entry in ClinVar:

NM_007294.4(BRCA1):c.182G>A (p.Cys61Tyr)

Gene: BRCA1. ClinVar aggregate classification (germline): Pathogenic. Pathogenic (7).

Submissions 11 to 12 of 12:

Brotman Baty Institute, University of Washington
No classification provided (evidence only). Condition: Breast-ovarian cancer, familial 1. Review status: no classification provided. Collection method: in vitro. Allele origin: not applicable. Functional consequence: functionally_abnormal. Not counted in ClinVar's aggregate classification.
ClinVar note: "not provided" was previously submitted as the classification for the variant. However, the classification appeared to be based only on an observation of functional data so it was converted to no classification on 2025-07-30.

Department of Pathology and Laboratory Medicine, Sinai Health System
Classification: Pathogenic. Review status: no assertion criteria provided. Collection method: clinical testing. Allele origin: unknown. Affected: yes. Study: The Canadian Open Genetics Repository (COGR). Not counted in ClinVar's aggregate classification.
Comment: The BRCA1 p.Cys61Tyr variant was identified in dbSNP (ID: rs80357093) â€šÃ„ÃºWith pathogenic alleleâ€šÃ„Ã¹, HGMD, and the BIC database (6X with unknown clinical importance). The p.Cys61 residue is conserved across mammals and lower organisms and computational analyses (PolyPhen-2, SIFT, AlignGVGD, BLOSUM) suggest that the p.Cys61Tyr variant may impact the protein. However, this information is not predictive enough to assume pathogenicity. Abkevich (2004) notes that p.Cys61 is a C3HC4 RING finger canonical residue, and that the p.Cys61Tyr variant is classified as deleterious by Myriad. In addition, another variant at this amino acid position, p.Cys61Gly, has been listed in public databases as a pathogenic variant, including 45X in UMD (as a "causal" variant) and 239X in the BIC database (as a variant with clinical importance). This p.Cys61Gly variant has also been characterized as deleterious by different functional assays, including evaluations of the p.Cys61Gly variant on double strand break repair and protein expression (Li 2010, Towler 2013, Bouwman 2013), suggesting that this residue is functionally important and the p.Cys61Tyr variant may also impact protein function. In summary, based on the above information, this variant meets our laboratoryâ€šÃ„Ã´s criteria to be classified as pathogenic.

Literature cited by the submitters: PubMed 29446198 (cited by Women's Health and Genetics/Laboratory Corporation of America, LabCorp and Ambry Genetics); PubMed 30209399 (cited by 3 submitters); PubMed 11320250 (cited by Ambry Genetics); PubMed 15235020 (cited by Ambry Genetics); PubMed 22752604 (cited by Ambry Genetics and Labcorp Genetics (formerly Invitae), Labcorp); PubMed 25428789 (cited by Ambry Genetics and Labcorp Genetics (formerly Invitae), Labcorp); PubMed 25823446 (cited by Ambry Genetics and Labcorp Genetics (formerly Invitae), Labcorp); PubMed 28664506 (cited by Ambry Genetics and Labcorp Genetics (formerly Invitae), Labcorp); PubMed 18159056 (cited by Labcorp Genetics (formerly Invitae), Labcorp); PubMed 26287763 (cited by Labcorp Genetics (formerly Invitae), Labcorp); PubMed 22843421 (cited by Labcorp Genetics (formerly Invitae), Labcorp); PubMed 7894493 (cited by Labcorp Genetics (formerly Invitae), Labcorp); PubMed 9525870 (cited by Labcorp Genetics (formerly Invitae), Labcorp); PubMed 11278247 (cited by Labcorp Genetics (formerly Invitae), Labcorp); PubMed 19594371 (cited by Labcorp Genetics (formerly Invitae), Labcorp); PubMed 19770520 (cited by Labcorp Genetics (formerly Invitae), Labcorp); PubMed 22172724 (cited by Labcorp Genetics (formerly Invitae), Labcorp).